The following is an entry in ClinVar:

ClinVar aggregate classification (germline): Uncertain significance. Review status: criteria provided, single submitter (1 of 4 stars). 2 submissions from 2 submitters: Uncertain significance (1). 1 of the submissions does not count toward it. Last evaluated 2024-11-24.

Conditions:
DYRK1B-related disorder. Also called: DYRK1B-related condition.
Inborn genetic diseases. Identifiers: MedGen C0950123, MeSH D030342.

gnomAD v4.1: 3 of 1,580,416 alleles (0.00019%); highest among the groups gnomAD compares: African/African-American, 0.004%; no homozygotes.

Submissions (2):

Ambry Genetics
Classification: Uncertain significance for Inborn genetic diseases. Last evaluated: 2024-11-24. Review status: criteria provided, single submitter. Criteria: Ambry Variant Classification Scheme 2023. Collection method: clinical testing. Allele origin: germline.

PreventionGenetics, part of Exact Sciences
Classification: Uncertain significance for DYRK1B-related condition. Last evaluated: 2023-11-07. Review status: no assertion criteria provided. Collection method: clinical testing. Allele origin: germline. Not counted in ClinVar's aggregate classification.
Comment: The DYRK1B c.1316C>G variant is predicted to result in the amino acid substitution p.Thr439Ser. To our knowledge, this variant has not been reported in the literature. This variant is reported in 0.015% of alleles in individuals of African descent in gnomAD. Although we suspect that this variant may be benign, at this time, the clinical significance of this variant is uncertain due to the absence of conclusive functional and genetic evidence.

NM_004714.3(DYRK1B):c.1316C>G (p.Thr439Ser)

Gene: DYRK1B (dual specificity tyrosine phosphorylation regulated kinase 1B; minus strand). Cytogenetic location: 19q13.2.
Variant type: single nucleotide variant.
Coding change: c.1316C>G on transcript NM_004714.3 (MANE Select); coding-DNA position 1316, C replaced by G.
Protein change: p.Thr439Ser; replaces threonine 439 with serine.
Molecular consequence: missense variant.
Genome position (GRCh38, 1-based): chr19:39,826,767, G>C on the plus strand (C>G on the coding strand, the complement: DYRK1B is on the minus strand). VCF-style: chr19-39826767-G-C. GRCh37 (hg19) VCF-style: chr19-40317407-G-C.
Other names: c.1196C>G, p.Thr399Ser (NM_006483.3); c.1232C>G, p.Thr411Ser (NM_006484.3); c.1316C>G (NM_004714.1); short protein forms T399S, T411S, T439S.
Identifiers: ClinVar variation 3355142 (VCV003355142.2).